The following is an entry in ClinVar:

NM_002739.5(PRKCG):c.341G>A (p.Cys114Tyr)

Gene: PRKCG (protein kinase C gamma; plus strand). Cytogenetic location: 19q13.42.
Variant type: single nucleotide variant.
Coding change: c.341G>A on transcript NM_002739.5 (MANE Select); coding-DNA position 341, G replaced by A.
Protein change: p.Cys114Tyr; replaces cysteine 114 with tyrosine.
Molecular consequence: missense variant.
Genome position (GRCh38, 1-based): chr19:53,889,693, G>A. VCF-style: chr19-53889693-G-A. GRCh37 (hg19) VCF-style: chr19-54392947-G-A.
Other names: c.341g>a; c.341G>A, p.Cys114Tyr (NM_001316329.2); short protein forms C114Y.
Identifiers: ClinVar variation 42161 (VCV000042161.3), dbSNP rs386134162, ClinGen allele CA344621.

ClinVar aggregate classification (germline): Pathogenic (0 of 4 stars; one submission).

Conditions:
Spinocerebellar ataxia type 14 (SCA14). Identifiers: Orphanet 98763, MedGen C1854369, MONDO:0011540, OMIM 605361.

Submission:

GeneReviews
Classification: Pathogenic for Spinocerebellar Ataxia Type14. Last evaluated: 2013-04-18. Review status: no assertion criteria provided. Collection method: curation. Allele origin: unknown.
ClinVar note: Converted during submission from pathologic to Pathogenic.